The following is an entry in ClinVar:

NM_144596.4(TTC8):c.720G>A (p.Met240Ile)

Gene: TTC8 (tetratricopeptide repeat domain 8; plus strand). Cytogenetic location: 14q31.3.
Variant type: single nucleotide variant.
Coding change: c.720G>A on transcript NM_144596.4 (MANE Select); coding-DNA position 720, G replaced by A.
Protein change: p.Met240Ile; replaces methionine 240 with isoleucine.
Molecular consequence: missense variant. On other transcripts: initiator codon variant (1), non-coding transcript variant (1).
Genome position (GRCh38, 1-based): chr14:88,857,199, G>A. VCF-style: chr14-88857199-G-A. GRCh37 (hg19) VCF-style: chr14-89323543-G-A.
Other names: c.768G>A, p.Met256Ile (NM_001288781.1); c.126G>A, p.Met42Ile (NM_001288782.1); c.3G>A, p.Met1Ile (NM_001288783.1); c.690G>A, p.Met230Ile (NM_001366535.2, NM_198309.3); c.600G>A, p.Met200Ile (NM_001366536.2, NM_198310.3); short protein forms M1I, M256I, M42I, M240I, M230I, M200I.
Identifiers: ClinVar variation 1485641 (VCV001485641.5), dbSNP rs1051402043, ClinGen allele CA264567107.
Genomic context (GRCh38, chr14:88,857,199, plus strand): 5'-TAGTGTTTATTTTTAAGTTGAATGTCTAATTCTTAAAATTGCTATTTGTAGGTTGGGAAT[G>A]TATCGTGAAGCAGAAAAACAGTTTAAATCAGCCCTGAAGCAGCAGGAAATGGTAGATACA-3'
Protein context (NP_653197.2, residues 230-250): QIGKCYYRLG[Met240Ile]YREAEKQFKS

ClinVar aggregate classification (germline): Uncertain significance (1 of 4 stars; one submission).

Conditions:
Bardet-Biedl syndrome (BBS). Identifiers: Orphanet 110, MedGen C0752166, MONDO:0015229.

Allele frequency attached by ClinVar (database versions not stated): gnomAD exomes below 0.00001.
gnomAD v4.1: 3 of 1,613,850 alleles (0.00019%); highest among the groups gnomAD compares: Admixed American, 0.0017%; no homozygotes.

Submission:

Labcorp Genetics (formerly Invitae), Labcorp
Classification: Uncertain significance for Bardet-Biedl syndrome. Last evaluated: 2021-09-10. Review status: criteria provided, single submitter. Criteria: Invitae Variant Classification Sherloc (09022015). Collection method: clinical testing. Allele origin: germline.
Comment: Algorithms developed to predict the effect of missense changes on protein structure and function (SIFT, PolyPhen-2, Align-GVGD) all suggest that this variant is likely to be tolerated. This sequence change replaces methionine with isoleucine at codon 230 of the TTC8 protein (p.Met230Ile). The methionine residue is moderately conserved and there is a small physicochemical difference between methionine and isoleucine. This variant is not present in population databases (ExAC no frequency). This variant has not been reported in the literature in individuals affected with TTC8-related conditions. In summary, the available evidence is currently insufficient to determine the role of this variant in disease. Therefore, it has been classified as a Variant of Uncertain Significance.